The following is an entry in ClinVar:

ClinVar aggregate classification (germline): Pathogenic (1 of 4 stars; one submission).

Conditions:
Duchenne muscular dystrophy (DMD). Also called: MUSCULAR DYSTROPHY, PSEUDOHYPERTROPHIC PROGRESSIVE, DUCHENNE TYPE; Duchenne Muscular Dystrophy (DMD). Identifiers: Orphanet 98896, MedGen C0013264, MONDO:0010679, OMIM 310200.

Submission:

Labcorp Genetics (formerly Invitae), Labcorp
Classification: Pathogenic for Duchenne muscular dystrophy. Last evaluated: 2016-12-24. Review status: criteria provided, single submitter. Criteria: Invitae Variant Classification Sherloc (09022015). Collection method: clinical testing. Allele origin: germline.
Comment: This variant is a gross duplication of the genomic region encompassing exons 2-7 of the DMD gene. While the exact position of the duplicated exons cannot be determined from this data, the duplicated copy of this region is likely in tandem and in-frame, therefore preserving the integrity of the reading frame. Duplications encompassing the same exons have been reported in the literature in individuals affected with muscular dystrophy (PMID: 2063877, 18752307, 26911353, 16917894, 8034300). Additionally, a similar duplication was reported to segregate with disease in a family affected with Becker muscular dystrophy (PMID: 2316519) and in a family affected with cardiomyopathy (PMID: 9441825). For these reasons, this variant has been classified as Pathogenic.

NC_000023.10:g.(?_32827610)_(33038317_?)dup

Gene: DMD (dystrophin; minus strand). Cytogenetic location: Xp21.1.
Variant type: Duplication.
Identifiers: ClinVar variation 417503 (VCV000417503.1).